The following is an entry in ClinVar:

NM_001042492.3(NF1):c.4732G>A (p.Val1578Ile)

Gene: NF1 (neurofibromin 1; plus strand). Cytogenetic location: 17q11.2.
Variant type: single nucleotide variant.
Coding change: c.4732G>A on transcript NM_001042492.3 (MANE Select); coding-DNA position 4732, G replaced by A.
Protein change: p.Val1578Ile; replaces valine 1578 with isoleucine.
Molecular consequence: missense variant.
Genome position (GRCh38, 1-based): chr17:31,265,236, G>A. VCF-style: chr17-31265236-G-A. GRCh37 (hg19) VCF-style: chr17-29592254-G-A.
Other names: c.4669G>A, p.Val1557Ile (NM_000267.4); short protein forms V1557I, V1578I.
Identifiers: ClinVar variation 825083 (VCV000825083.11), dbSNP rs1597753156, ClinGen allele CA399001158.

ClinVar aggregate classification (germline): Uncertain significance. Review status: criteria provided, multiple submitters, no conflicts (2 of 4 stars). 3 submissions from 3 submitters: Uncertain significance (3). Last evaluated 2026-09-04.

Conditions:
Hereditary cancer-predisposing syndrome. Also called: Tumor predisposition; Hereditary neoplastic syndrome; Neoplastic Syndromes, Hereditary; Hereditary Cancer Syndrome. Identifiers: Orphanet 140162, MedGen C0027672, MeSH D009386, MONDO:0015356.
Cardiovascular phenotype. Identifiers: MedGen CN230736.
Neurofibromatosis, type 1 (NF1). Also called: VON RECKLINGHAUSEN DISEASE; NEUROFIBROMATOSIS, TYPE I, SOMATIC; Peripheral type neurofibromatosis; Neurofibromatosis, type I. Identifiers: Orphanet 636, MedGen C0027831, MONDO:0018975, OMIM 162200. Disease mechanism: loss of function.

Allele frequency attached by ClinVar (database versions not stated): gnomAD exomes below 0.00001.
gnomAD v4.1: 1 of 1,610,494 alleles (0.000062%); highest among the groups gnomAD compares: Non-Finnish European, 0.000085%; no homozygotes.

Submissions (3):

Ambry Genetics
Classification: Uncertain significance for Cardiovascular phenotype; Hereditary cancer-predisposing syndrome. Last evaluated: 2026-09-04. Review status: criteria provided, single submitter. Criteria: Ambry Variant Classification Scheme 2023. Collection method: clinical testing. Allele origin: germline.
Comment: The p.V1557I variant (also known as c.4669G>A), located in coding exon 35 of the NF1 gene, results from a G to A substitution at nucleotide position 4669. The valine at codon 1557 is replaced by isoleucine, an amino acid with highly similar properties. This amino acid position is highly conserved in available vertebrate species. In addition, this alteration is predicted to be tolerated by in silico analysis. Based on the available evidence, the clinical significance of this variant remains unclear.

Labcorp Genetics (formerly Invitae), Labcorp
Classification: Uncertain significance for Neurofibromatosis, type 1. Last evaluated: 2025-06-02. Review status: criteria provided, single submitter. Criteria: Invitae Variant Classification Sherloc (09022015). Collection method: clinical testing. Allele origin: germline.
Comment: This sequence change replaces valine, which is neutral and non-polar, with isoleucine, which is neutral and non-polar, at codon 1557 of the NF1 protein (p.Val1557Ile). This variant is not present in population databases (gnomAD no frequency). This variant has not been reported in the literature in individuals affected with NF1-related conditions. ClinVar contains an entry for this variant (Variation ID: 825083). Invitae Evidence Modeling of protein sequence and biophysical properties (such as structural, functional, and spatial information, amino acid conservation, physicochemical variation, residue mobility, and thermodynamic stability) indicates that this missense variant is not expected to disrupt NF1 protein function with a negative predictive value of 95%. In summary, the available evidence is currently insufficient to determine the role of this variant in disease. Therefore, it has been classified as a Variant of Uncertain Significance.

Genome-Nilou Lab
Classification: Uncertain significance for Neurofibromatosis, type 1. Last evaluated: 2022-03-15. Review status: criteria provided, single submitter. Criteria: ACMG Guidelines, 2015. Collection method: clinical testing. Allele origin: germline. Affected: no.